The following is an entry in ClinVar:

ClinVar aggregate classification (germline): Uncertain significance (1 of 4 stars; one submission).

Submission:

Labcorp Genetics (formerly Invitae), Labcorp
Classification: Uncertain significance. Last evaluated: 2023-12-11. Review status: criteria provided, single submitter. Criteria: Invitae Variant Classification Sherloc (09022015). Collection method: clinical testing. Allele origin: germline.
Comment: This sequence change replaces alanine, which is neutral and non-polar, with valine, which is neutral and non-polar, at codon 221 of the IRF2BP2 protein (p.Ala221Val). This variant is not present in population databases (gnomAD no frequency). This variant has not been reported in the literature in individuals affected with IRF2BP2-related conditions. An algorithm developed to predict the effect of missense changes on protein structure and function (PolyPhen-2) suggests that this variant is likely to be tolerated. In summary, the available evidence is currently insufficient to determine the role of this variant in disease. Therefore, it has been classified as a Variant of Uncertain Significance.

NM_182972.3(IRF2BP2):c.662C>T (p.Ala221Val)

Genes: IRF2BP2 (interferon regulatory factor 2 binding protein 2; minus strand), LOC129932811 (ATAC-STARR-seq lymphoblastoid silent region 1976; plus strand). Cytogenetic location: 1q42.3.
Variant type: single nucleotide variant.
Coding change: c.662C>T on transcript NM_182972.3 (MANE Select); coding-DNA position 662, C replaced by T.
Protein change: p.Ala221Val; replaces alanine 221 with valine.
Molecular consequence: missense variant.
Genome position (GRCh38, 1-based): chr1:234,608,833, G>A on the plus strand (C>T on the coding strand, the complement: IRF2BP2 is on the minus strand). VCF-style: chr1-234608833-G-A. GRCh37 (hg19) VCF-style: chr1-234744579-G-A.
Other names: c.662C>T, p.Ala221Val (NM_001077397.1); short protein forms A221V.
Identifiers: ClinVar variation 2909387 (VCV002909387.3), dbSNP rs1672253048, ClinGen allele CA345309066.